The following is an entry in ClinVar:

NM_003108.4(SOX11):c.225C>T (p.His75=)

Gene: SOX11 (SRY-box transcription factor 11; plus strand). Cytogenetic location: 2p25.2.
Variant type: single nucleotide variant.
Coding change: c.225C>T on transcript NM_003108.4 (MANE Select); coding-DNA position 225, C replaced by T.
Protein change: p.His75=; no amino-acid change (histidine 75 retained).
Molecular consequence: synonymous variant.
Genome position (GRCh38, 1-based): chr2:5,692,946, C>T. VCF-style: chr2-5692946-C-T. GRCh37 (hg19) VCF-style: chr2-5833078-C-T.
Identifiers: ClinVar variation 436838 (VCV000436838.7), dbSNP rs1304574596, ClinGen allele CA424763059.

ClinVar aggregate classification (germline): Uncertain significance. Review status: criteria provided, multiple submitters, no conflicts (2 of 4 stars). 2 submissions from 2 submitters: Uncertain significance (2). Last evaluated 2025-05-05.

Allele frequency attached by ClinVar (database versions not stated): gnomAD exomes below 0.00001; TOPMed 0.00001.
gnomAD v4.1: 2 of 1,612,426 alleles (0.00012%); highest among the groups gnomAD compares: African/African-American, 0.0013%; no homozygotes.

Submissions (2):

Labcorp Genetics (formerly Invitae), Labcorp
Classification: Uncertain significance. Last evaluated: 2025-05-05. Review status: criteria provided, single submitter. Criteria: Invitae Variant Classification Sherloc (09022015). Collection method: clinical testing. Allele origin: germline.
Comment: This sequence change affects codon 75 of the SOX11 mRNA. It is a 'silent' change, meaning that it does not change the encoded amino acid sequence of the SOX11 protein. This variant is not present in population databases (gnomAD no frequency). This variant has not been reported in the literature in individuals affected with SOX11-related conditions. ClinVar contains an entry for this variant (Variation ID: 436838). In summary, the available evidence is currently insufficient to determine the role of this variant in disease. Therefore, it has been classified as a Variant of Uncertain Significance.

Genetic Services Laboratory, University of Chicago
Classification: Uncertain significance. Last evaluated: 2017-04-10. Review status: criteria provided, single submitter. Criteria: ACMG Guidelines, 2015. Collection method: clinical testing. Allele origin: germline. Affected: no.